The following is an entry in ClinVar:

ClinVar aggregate classification (germline): Pathogenic/Likely pathogenic. Review status: criteria provided, multiple submitters, no conflicts (2 of 4 stars). 2 submissions from 2 submitters: Pathogenic (1); Likely pathogenic (1). Last evaluated 2025-09-02.

Conditions:
Familial thoracic aortic aneurysm and aortic dissection (TAAD). Also called: Thoracic aortic aneurysms and dissections. Identifiers: Orphanet 91387, MedGen C4707243, MONDO:0019625.
Marfan syndrome (MFS). Also called: FBN1-Related Marfan Syndrome; Marfan syndrome type 1; Marfan's syndrome; Marfan syndrome, classic; MARFAN SYNDROME, TYPE I. Identifiers: Orphanet 284963, Orphanet 558, MedGen C0024796, MONDO:0007947, OMIM 154700.

Allele frequency attached by ClinVar (database versions not stated): gnomAD exomes below 0.00001.
gnomAD v4.1: 1 of 1,613,608 alleles (0.000062%); highest among the groups gnomAD compares: East Asian, 0.0022%; no homozygotes.

Submissions (2):

Labcorp Genetics (formerly Invitae), Labcorp
Classification: Pathogenic for Marfan syndrome; Familial thoracic aortic aneurysm and aortic dissection. Last evaluated: 2025-09-02. Review status: criteria provided, single submitter. Criteria: Invitae Variant Classification Sherloc (09022015). Collection method: clinical testing. Allele origin: germline.
Comment: This sequence change replaces proline, which is neutral and non-polar, with leucine, which is neutral and non-polar, at codon 2233 of the FBN1 protein (p.Pro2233Leu). This variant is not present in population databases (gnomAD no frequency). This missense change has been observed in individuals with clinical features of Marfan syndrome (PMID: 33844962; internal data). ClinVar contains an entry for this variant (Variation ID: 583258). Invitae Evidence Modeling of protein sequence and biophysical properties (such as structural, functional, and spatial information, amino acid conservation, physicochemical variation, residue mobility, and thermodynamic stability) indicates that this missense variant is expected to disrupt FBN1 protein function with a positive predictive value of 95%. This variant disrupts the p.Pro2233 amino acid residue in FBN1. Other variant(s) that disrupt this residue have been determined to be pathogenic (PMID: 24199744; internal data). This suggests that this residue is clinically significant, and that variants that disrupt this residue are likely to be disease-causing. For these reasons, this variant has been classified as Pathogenic.

Kasturba Medical College, Manipal, Kasturba Medical College, Manipal, Manipal Academy of Higher Education, Manipal, India
Classification: Likely pathogenic for Marfan syndrome. Review status: criteria provided, single submitter. Criteria: ACMG Guidelines, 2015. Collection method: clinical testing. Allele origin: maternal. Inheritance: Autosomal dominant inheritance. Affected: yes. Observed: 1 heterozygote.

Literature cited by the submitters: PubMed 33844962 (cited by Labcorp Genetics (formerly Invitae), Labcorp); PubMed 24199744 (cited by Labcorp Genetics (formerly Invitae), Labcorp).

NM_000138.5(FBN1):c.6698C>T (p.Pro2233Leu)

Gene: FBN1 (fibrillin 1; minus strand). Cytogenetic location: 15q21.1.
Variant type: single nucleotide variant.
Coding change: c.6698C>T on transcript NM_000138.5 (MANE Select); coding-DNA position 6698, C replaced by T.
Protein change: p.Pro2233Leu; replaces proline 2233 with leucine.
Molecular consequence: missense variant.
Genome position (GRCh38, 1-based): chr15:48,432,907, G>A on the plus strand (C>T on the coding strand, the complement: FBN1 is on the minus strand). VCF-style: chr15-48432907-G-A. GRCh37 (hg19) VCF-style: chr15-48725104-G-A.
Other names: short protein forms P2233L.
Identifiers: ClinVar variation 583258 (VCV000583258.11), dbSNP rs1566894783, ClinGen allele CA392333367.